The following is an entry in ClinVar:

NM_032444.4(SLX4):c.2364G>C (p.Gln788His)

Gene: SLX4 (SLX4 structure-specific endonuclease subunit; minus strand). Cytogenetic location: 16p13.3.
Variant type: single nucleotide variant.
Coding change: c.2364G>C on transcript NM_032444.4 (MANE Select); coding-DNA position 2364, G replaced by C.
Protein change: p.Gln788His; replaces glutamine 788 with histidine.
Molecular consequence: missense variant.
Genome position (GRCh38, 1-based): chr16:3,591,274, C>G on the plus strand (G>C on the coding strand, the complement: SLX4 is on the minus strand). VCF-style: chr16-3591274-C-G. GRCh37 (hg19) VCF-style: chr16-3641275-C-G.
Other names: short protein forms Q788H.
Identifiers: ClinVar variation 2193057 (VCV002193057.5), dbSNP rs781460590, ClinGen allele CA7866167.

ClinVar aggregate classification (germline): Uncertain significance. Review status: criteria provided, multiple submitters, no conflicts (2 of 4 stars). 2 submissions from 2 submitters: Uncertain significance (2). Last evaluated 2024-05-05.

Conditions:
Fanconi anemia complementation group P. Also called: SLX4-Related Fanconi Anemia. Identifiers: Orphanet 84, MedGen C3469542, MONDO:0013499, OMIM 613951.
Fanconi anemia (FA). Also called: Fanconi's anemia. Identifiers: Orphanet 84, MedGen C0015625, MeSH D005199, MONDO:0019391.

Allele frequency attached by ClinVar (database versions not stated): ExAC 0.00001; gnomAD 0.00002.
gnomAD v4.1: 34 of 1,612,450 alleles (0.0021%); highest among the groups gnomAD compares: Non-Finnish European, 0.0026%; no homozygotes.

Submissions (2):

Fulgent Genetics
Classification: Uncertain significance for Fanconi anemia complementation group P. Last evaluated: 2024-05-05. Review status: criteria provided, single submitter. Criteria: ACMG Guidelines, 2015. Collection method: clinical testing. Allele origin: germline.

Labcorp Genetics (formerly Invitae), Labcorp
Classification: Uncertain significance for Fanconi anemia. Last evaluated: 2023-09-19. Review status: criteria provided, single submitter. Criteria: Invitae Variant Classification Sherloc (09022015). Collection method: clinical testing. Allele origin: germline.
Comment: An algorithm developed to predict the effect of missense changes on protein structure and function (PolyPhen-2) suggests that this variant is likely to be disruptive. In summary, the available evidence is currently insufficient to determine the role of this variant in disease. Therefore, it has been classified as a Variant of Uncertain Significance. ClinVar contains an entry for this variant (Variation ID: 2193057). This variant has not been reported in the literature in individuals affected with SLX4-related conditions. This variant is present in population databases (rs781460590, gnomAD 0.002%). This sequence change replaces glutamine, which is neutral and polar, with histidine, which is basic and polar, at codon 788 of the SLX4 protein (p.Gln788His).